The following is an entry in ClinVar:

NM_001160148.2(DDHD1):c.2444G>T (p.Arg815Ile)

Gene: DDHD1 (DDHD domain containing 1; minus strand). Cytogenetic location: 14q22.1.
Variant type: single nucleotide variant.
Coding change: c.2444G>T on transcript NM_001160148.2 (MANE Select); coding-DNA position 2444, G replaced by T.
Protein change: p.Arg815Ile; replaces arginine 815 with isoleucine.
Molecular consequence: missense variant. On other transcripts: intron variant (2).
Genome position (GRCh38, 1-based): chr14:53,051,921, C>A on the plus strand (G>T on the coding strand, the complement: DDHD1 is on the minus strand). VCF-style: chr14-53051921-C-A. GRCh37 (hg19) VCF-style: chr14-53518639-C-A.
Other names: c.2437+2517G>T (NM_030637.3); c.2458+2517G>T (NM_001160147.2); short protein forms R815I.
Identifiers: ClinVar variation 1204190 (VCV001204190.3), dbSNP rs147133475, ClinGen allele CA7190971.

ClinVar aggregate classification (germline): Likely benign (1 of 4 stars; one submission).

Allele frequency attached by ClinVar (database versions not stated): gnomAD exomes 0.00017 and 0.00049; ExAC 0.00092; 1000 Genomes Project 0.00140; 1000 Genomes Project 30x 0.00141; ESP Exome Variant Server 0.00156; gnomAD 0.00165 and 0.00180; TOPMed 0.00209.
gnomAD v4.1: 500 of 1,583,038 alleles (0.032%); highest among the groups gnomAD compares: African/African-American, 0.61%; 3 homozygotes.

Submission:

GeneDx
Classification: Likely benign. Last evaluated: 2020-10-06. Review status: criteria provided, single submitter. Criteria: GeneDx Variant Classification Process June 2021. Collection method: clinical testing. Allele origin: germline. Affected: yes.
Comment: This variant is associated with the following publications: (PMID: 28454995)